The following is an entry in ClinVar:

NM_001242.5(CD27):c.685G>A (p.Ala229Thr)

Genes: CD27 (CD27 molecule; plus strand), CD27-AS1 (CD27 antisense RNA 1; minus strand), LOC130007243 (ATAC-STARR-seq lymphoblastoid active region 5860; plus strand). Cytogenetic location: 12p13.31.
Variant type: single nucleotide variant.
Coding change: c.685G>A on transcript NM_001242.5 (MANE Select); coding-DNA position 685, G replaced by A.
Protein change: p.Ala229Thr; replaces alanine 229 with threonine.
Molecular consequence: missense variant. On other transcripts: non-coding transcript variant (1).
Genome position (GRCh38, 1-based): chr12:6,451,294, G>A. VCF-style: chr12-6451294-G-A. GRCh37 (hg19) VCF-style: chr12-6560460-G-A.
Other names: short protein forms A229T.
Identifiers: ClinVar variation 1021457 (VCV001021457.8), dbSNP rs144240256, ClinGen allele CA6407076.

ClinVar aggregate classification (germline): Uncertain significance. Review status: criteria provided, multiple submitters, no conflicts (2 of 4 stars). 2 submissions from 2 submitters: Uncertain significance (2). Last evaluated 2025-12-29.

Conditions:
Lymphoproliferative syndrome 2 (LPFS2). Also called: CD27 DEFICIENCY; Combined immunodeficiency due to CD27 deficiency. Identifiers: Orphanet 238505, MedGen C3554540, MONDO:0014054, OMIM 615122.

Allele frequency attached by ClinVar (database versions not stated): gnomAD exomes 0.00003 and 0.00005; ExAC 0.00006; gnomAD 0.00007 and 0.00008; ESP Exome Variant Server 0.00008; TOPMed 0.00010.

Submissions (2):

Labcorp Genetics (formerly Invitae), Labcorp
Classification: Uncertain significance for Lymphoproliferative syndrome 2. Last evaluated: 2025-12-29. Review status: criteria provided, single submitter. Criteria: Invitae Variant Classification Sherloc (09022015). Collection method: clinical testing. Allele origin: germline.
Comment: This sequence change replaces alanine, which is neutral and non-polar, with threonine, which is neutral and polar, at codon 229 of the CD27 protein (p.Ala229Thr). This variant is present in population databases (rs144240256, gnomAD 0.02%). This variant has not been reported in the literature in individuals affected with CD27-related conditions. ClinVar contains an entry for this variant (Variation ID: 1021457). An algorithm developed to predict the effect of missense changes on protein structure and function outputs the following: PolyPhen-2: "Benign". The threonine amino acid residue is found in multiple mammalian species, which suggests that this missense change does not adversely affect protein function. In summary, the available evidence is currently insufficient to determine the role of this variant in disease. Therefore, it has been classified as a Variant of Uncertain Significance.

Breakthrough Genomics
Classification: Uncertain significance. Review status: criteria provided, single submitter. Criteria: ACMG Guidelines, 2015. Collection method: not provided. Allele origin: germline. Inheritance: Autosomal recessive inheritance. Affected: yes.